The following is an entry in ClinVar:

ClinVar aggregate classification (germline): Uncertain significance. Review status: criteria provided, multiple submitters, no conflicts (2 of 4 stars). 6 submissions from 6 submitters: Uncertain significance (5). 1 of the submissions does not count toward it. Last evaluated 2026-01-12.

Conditions:
Cardiovascular phenotype. Identifiers: MedGen CN230736.
Familial long QT syndrome (RWS). Also called: Congenital long QT syndrome; Romano-Ward syndrome; VENTRICULAR FIBRILLATION WITH PROLONGED QT INTERVAL. Identifiers: Orphanet 768, MedGen C1141890, MONDO:0019171.
Long QT syndrome (LQTS). Identifiers: MedGen C0023976, MeSH D008133, MONDO:0002442. Disease mechanism: loss of function. Inheritance: Various modes of inheritance.
Short QT syndrome type 1. Identifiers: Orphanet 51083, MedGen C1865020, MONDO:0012312, OMIM 609620.
Long QT syndrome 2 (LQT2). Identifiers: Orphanet 101016, Orphanet 768, MedGen C3150943, MONDO:0013367, OMIM 613688.

Allele frequency attached by ClinVar (database versions not stated): gnomAD exomes 0.00005; gnomAD 0.00007 and 0.00008; TOPMed 0.00006.
gnomAD v4.1: 67 of 1,280,618 alleles (0.0052%); highest among the groups gnomAD compares: Non-Finnish European, 0.0065%; no homozygotes.

Submissions (6):

Labcorp Genetics (formerly Invitae), Labcorp
Classification: Uncertain significance for Long QT syndrome. Last evaluated: 2026-01-12. Review status: criteria provided, single submitter. Criteria: Invitae Variant Classification Sherloc (09022015). Collection method: clinical testing. Allele origin: germline.
Comment: This sequence change replaces proline, which is neutral and non-polar, with serine, which is neutral and polar, at codon 297 of the KCNH2 protein (p.Pro297Ser). This variant is present in population databases (rs199472882, gnomAD 0.03%). This missense change has been observed in individuals with KCNH2-related conditions (PMID: 17192539, 19841300, 19926013, 22882672, 26669661, 30369311). ClinVar contains an entry for this variant (Variation ID: 67540). An algorithm developed to predict the effect of missense changes on protein structure and function (PolyPhen-2) suggests that this variant is likely to be tolerated. In summary, the available evidence is currently insufficient to determine the role of this variant in disease. Therefore, it has been classified as a Variant of Uncertain Significance.

Women's Health and Genetics/Laboratory Corporation of America, LabCorp
Classification: Uncertain significance. Last evaluated: 2025-09-04. Review status: criteria provided, single submitter. Criteria: LabCorp Variant Classification Summary - May 2015. Collection method: clinical testing. Allele origin: germline.
Comment: Variant summary: KCNH2 c.889C>T (p.Pro297Ser) results in a non-conservative amino acid change in the encoded protein sequence. Algorithms developed to predict the effect of missense changes on protein structure and function are either unavailable or do not agree on the potential impact of this missense change. The frequency data for this variant in gnomAD is considered unreliable, as metrics indicate poor data quality at this position. c.889C>T has been reported in the literature in individuals affected with Long QT Syndrome (Imboden_2006, Kapa_2009, Shimizu_2009, Giudicessi_2012, Winkel_2012, Itoh_2015, Gibbs_2018). These reports do not provide unequivocal conclusions about association of the variant with Arrhythmia. To our knowledge, no experimental evidence demonstrating an impact on protein function has been reported. The following publications have been ascertained in the context of this evaluation (PMID: 30369311, 22949429, 17192539, 26669661, 19841300, 19926013, 22882672). ClinVar contains an entry for this variant (Variation ID: 67540). Based on the evidence outlined above, the variant was classified as uncertain significance.

Blueprint Genetics
Classification: Uncertain significance. Last evaluated: 2023-06-02. Review status: criteria provided, single submitter. Criteria: ACMG Guidelines, 2015. Collection method: clinical testing. Allele origin: germline.

Fulgent Genetics
Classification: Uncertain significance for Short QT syndrome type 1; Long QT syndrome 2. Last evaluated: 2022-04-21. Review status: criteria provided, single submitter. Criteria: ACMG Guidelines, 2015. Collection method: clinical testing. Allele origin: unknown.

Ambry Genetics
Classification: Uncertain significance for Cardiovascular phenotype. Last evaluated: 2019-06-12. Review status: criteria provided, single submitter. Criteria: Ambry Variant Classification Scheme 2023. Collection method: clinical testing. Allele origin: germline.

Cardiovascular Biomedical Research Unit, Royal Brompton & Harefield NHS Foundation Trust
No classification provided. Condition: Familial long QT syndrome. Review status: no classification provided. Collection method: literature only. Allele origin: germline. Not counted in ClinVar's aggregate classification.
Comment: This variant has been reported as associated with Long QT syndrome in the following publications (PMID:19841300). This is a literature report, and does not necessarily reflect the clinical interpretation of the Imperial College / Royal Brompton Cardiovascular Genetics laboratory.

Literature cited by the submitters: PubMed 17192539 (cited by Labcorp Genetics (formerly Invitae), Labcorp and Women's Health and Genetics/Laboratory Corporation of America, LabCorp); PubMed 19841300 (cited by 3 submitters); PubMed 19926013 (cited by Labcorp Genetics (formerly Invitae), Labcorp and Women's Health and Genetics/Laboratory Corporation of America, LabCorp); PubMed 22882672 (cited by Labcorp Genetics (formerly Invitae), Labcorp and Women's Health and Genetics/Laboratory Corporation of America, LabCorp); PubMed 26669661 (cited by Labcorp Genetics (formerly Invitae), Labcorp and Women's Health and Genetics/Laboratory Corporation of America, LabCorp); PubMed 30369311 (cited by Labcorp Genetics (formerly Invitae), Labcorp and Women's Health and Genetics/Laboratory Corporation of America, LabCorp); PubMed 22949429 (cited by Women's Health and Genetics/Laboratory Corporation of America, LabCorp); PubMed 22581653 (cited by Cardiovascular Biomedical Research Unit, Royal Brompton & Harefield NHS Foundation Trust).

NM_000238.4(KCNH2):c.889C>T (p.Pro297Ser)

Gene: KCNH2 (potassium voltage-gated channel subfamily H member 2; minus strand). Cytogenetic location: 7q36.1.
Variant type: single nucleotide variant.
Coding change: c.889C>T on transcript NM_000238.4 (MANE Select); coding-DNA position 889, C replaced by T.
Protein change: p.Pro297Ser; replaces proline 297 with serine.
Molecular consequence: missense variant.
Genome position (GRCh38, 1-based): chr7:150,958,086, G>A on the plus strand (C>T on the coding strand, the complement: KCNH2 is on the minus strand). VCF-style: chr7-150958086-G-A. GRCh37 (hg19) VCF-style: chr7-150655174-G-A.
Other names: c.889C>T (LRG_288t1); c.601C>T, p.Pro201Ser (NM_001406753.1, NM_001406756.1); c.712C>T, p.Pro238Ser (NM_001406755.1); c.589C>T, p.Pro197Ser (NM_001406757.1); c.889C>T, p.Pro297Ser (NM_172056.3); short protein forms P297S, P197S, P201S, P238S.
Identifiers: ClinVar variation 67540 (VCV000067540.26), dbSNP rs199472882, ClinGen allele CA008961.
Genomic context (GRCh38, chr7:150,958,086, plus strand): 5'-GCTGGGGCGGAACGGGTCCCGCGGCGCCCTCACCGGTGCTGGCGTGGCGCGGTGGCGGGG[G>A]CAGCACCCCGGCGCGCATGGCCTCGATGTCGTCGGCCGACGAGGCGCGGCGCACGCTGGC-3'
Protein context (NP_000229.1, residues 287-307): DIEAMRAGVL[Pro297Ser]PPPRHASTGA